The following is an entry in ClinVar:

ClinVar aggregate classification (germline): Uncertain significance. Review status: criteria provided, multiple submitters, no conflicts (2 of 4 stars). 2 submissions from 2 submitters: Uncertain significance (2). Last evaluated 2024-01-25.

Conditions:
SHORT syndrome. Also called: PIK3R1-Related SHORT Syndrome; LIPODYSTROPHY, PARTIAL, WITH RIEGER ANOMALY AND SHORT STATURE; SHORT STATURE, HYPEREXTENSIBILITY, HERNIA, OCULAR DEPRESSION, RIEGER ANOMALY, AND TEETHING DELAY. Identifiers: Orphanet 3163, MedGen C0878684, MONDO:0010026, OMIM 269880.
Immunodeficiency 36 with lymphoproliferation. Also called: Immunodeficiency 36; ACTIVATED PI3K-DELTA SYNDROME 2; Activated PI3K Delta Syndrome Type 2 (APDS2). Identifiers: Orphanet 397596, Orphanet 693681, MedGen C4014934, MONDO:0014453, OMIM 616005.
Agammaglobulinemia 7, autosomal recessive (AGM7). Also called: AGAMMAGLOBULINEMIA, AUTOSOMAL RECESSIVE, DUE TO PIK3R1 DEFECT. Identifiers: MedGen C3554689, MONDO:0014083, OMIM 615214.

Allele frequency attached by ClinVar (database versions not stated): gnomAD exomes below 0.00001; ExAC 0.00002.

Submissions (2):

Labcorp Genetics (formerly Invitae), Labcorp
Classification: Uncertain significance for SHORT syndrome; Immunodeficiency 36 with lymphoproliferation; Agammaglobulinemia 7, autosomal recessive. Last evaluated: 2024-01-25. Review status: criteria provided, single submitter. Criteria: Invitae Variant Classification Sherloc (09022015). Collection method: clinical testing. Allele origin: germline.
Comment: This sequence change creates a premature translational stop signal (p.Arg724*) in the PIK3R1 gene. While this is not anticipated to result in nonsense mediated decay, it is expected to disrupt the last 1 amino acid(s) of the PIK3R1 protein. This variant is present in population databases (rs764019194, gnomAD 0.005%). This variant has not been reported in the literature in individuals affected with PIK3R1-related conditions. ClinVar contains an entry for this variant (Variation ID: 1162974). Algorithms developed to predict the effect of sequence changes on RNA splicing suggest that this variant may create or strengthen a splice site. In summary, the available evidence is currently insufficient to determine the role of this variant in disease. Therefore, it has been classified as a Variant of Uncertain Significance.

Mayo Clinic Laboratories, Mayo Clinic
Classification: Uncertain significance. Last evaluated: 2020-10-01. Review status: criteria provided, single submitter. Criteria: ACMG Guidelines, 2015. Collection method: clinical testing. Allele origin: germline. Observed: 2 variant alleles.

NM_181523.3(PIK3R1):c.2170C>T (p.Arg724Ter)

Gene: PIK3R1 (phosphoinositide-3-kinase regulatory subunit 1; plus strand). Cytogenetic location: 5q13.1.
Variant type: single nucleotide variant.
Coding change: c.2170C>T on transcript NM_181523.3 (MANE Select); coding-DNA position 2170, C replaced by T.
Protein change: p.Arg724Ter; replaces arginine 724 with a stop codon.
Molecular consequence: nonsense.
Genome position (GRCh38, 1-based): chr5:68,297,596, C>T. VCF-style: chr5-68297596-C-T. GRCh37 (hg19) VCF-style: chr5-67593424-C-T.
Other names: c.1081C>T, p.Arg361Ter (NM_001242466.2); c.1360C>T, p.Arg454Ter (NM_181504.4); c.1270C>T, p.Arg424Ter (NM_181524.2); short protein forms R361*, R424*, R454*, R724*.
Identifiers: ClinVar variation 1162974 (VCV001162974.8), dbSNP rs764019194, ClinGen allele CA3290560.